The following is an entry in ClinVar:

ClinVar aggregate classification (germline): Likely benign. Review status: criteria provided, single submitter (1 of 4 stars). 2 submissions from 2 submitters: Likely benign (1). 1 of the submissions does not count toward it. Last evaluated 2021-11-13.

Conditions:
Alpha-methylacyl-CoA racemase deficiency (AMACRD). Also called: AMACR deficiency. Identifiers: Orphanet 79095, MedGen C3280428, MONDO:0013681, OMIM 614307. Disease mechanism: loss of function.
AMACR-related disorder. Also called: AMACR-Related Disorders; AMACR-related condition.

Allele frequency attached by ClinVar (database versions not stated): ESP Exome Variant Server 0.00008.

Submissions (2):

Labcorp Genetics (formerly Invitae), Labcorp
Classification: Likely benign for Alpha-methylacyl-CoA racemase deficiency. Last evaluated: 2021-11-13. Review status: criteria provided, single submitter. Criteria: Invitae Variant Classification Sherloc (09022015). Collection method: clinical testing. Allele origin: germline.

PreventionGenetics, part of Exact Sciences
Classification: Likely benign for AMACR-related condition. Last evaluated: 2022-07-13. Review status: no assertion criteria provided. Collection method: clinical testing. Allele origin: germline. Not counted in ClinVar's aggregate classification.
Comment: This variant is classified as likely benign based on ACMG/AMP sequence variant interpretation guidelines (Richards et al. 2015 PMID: 25741868, with internal and published modifications).

NM_014324.6(AMACR):c.33G>C (p.Leu11=)

Genes: AMACR (alpha-methylacyl-CoA racemase; minus strand), C1QTNF3-AMACR (C1QTNF3-AMACR readthrough (NMD candidate); minus strand). Cytogenetic location: 5p13.2.
Variant type: single nucleotide variant.
Coding change: c.33G>C on transcript NM_014324.6 (MANE Select); coding-DNA position 33, G replaced by C.
Protein change: p.Leu11=; no amino-acid change (leucine 11 retained).
Molecular consequence: synonymous variant.
Genome position (GRCh38, 1-based): chr5:34,007,987, C>G on the plus strand (G>C on the coding strand, the complement: AMACR is on the minus strand). VCF-style: chr5-34007987-C-G. GRCh37 (hg19) VCF-style: chr5-34008092-C-G.
Other names: c.33G>C (NM_014324.5); c.33G>C, p.Leu11= (NM_001167595.2, NM_203382.3).
Identifiers: ClinVar variation 1556695 (VCV001556695.10), dbSNP rs140821725, ClinGen allele CA116872921.